The following is an entry in ClinVar:

NM_007294.4(BRCA1):c.1642_1643del (p.Ile548fs)

Gene: BRCA1 (BRCA1 DNA repair associated; minus strand). Cytogenetic location: 17q21.31.
Variant type: Microsatellite.
Coding change: c.1642_1643del on transcript NM_007294.4 (MANE Select); coding-DNA positions 1642 to 1643, 2 bases deleted (AT; older notation c.1642_1643delAT).
Protein change: p.Ile548fs; shifts the reading frame from isoleucine 548.
Molecular consequence: frameshift variant. On other transcripts: intron variant (137).
Genome position (GRCh38, 1-based): chr17:43,093,888-43,093,889, AT deleted on the plus strand (AT on the coding strand, the reverse complement: BRCA1 is on the minus strand); deleting any 2 consecutive bases within chr17:43,093,888-43,093,891 gives the same sequence; the c. name uses the placement nearest the transcript's 3' end. VCF-style (leftmost placement, unchanged base first): chr17-43093887-AAT-A. GRCh37 (hg19) VCF-style: chr17-41245904-AAT-A.
Other names: 1761_1762delAT; c.1642_1643del (NM_007294.3); c.1429_1430del, p.Ile477fs (NM_001407571.1, NM_001407853.1, NM_001407894.1 and 9 more transcripts); c.1642_1643del, p.Ile548fs (NM_001407581.1, NM_001407582.1, NM_001407583.1 and 30 more transcripts); c.1639_1640del, p.Ile547fs (NM_001407587.1, NM_001407590.1, NM_001407591.1 and 22 more transcripts); c.1633_1634del, p.Ile545fs (NM_001407646.1, NM_001407647.1); c.1519_1520del, p.Ile507fs (NM_001407648.1, NM_001407664.1, NM_001407665.1 and 19 more transcripts); c.1516_1517del, p.Ile506fs (NM_001407649.1, NM_001407670.1, NM_001407671.1 and 11 more transcripts); and 42 more; short protein forms I548fs, I501fs, I380fs, I420fs, I436fs, I500fs, I421fs, I478fs.
Identifiers: ClinVar variation 266178 (VCV000266178.13), dbSNP rs886039960, ClinGen allele CA10589928.

ClinVar aggregate classification (germline): Pathogenic. Review status: reviewed by expert panel (3 of 4 stars). 3 submissions from 3 submitters: Pathogenic (1). 2 of the submissions do not count toward it. Last evaluated 2016-10-18.

Conditions:
Hereditary breast ovarian cancer syndrome. Also called: Hereditary breast and ovarian cancer syndrome (HBOC); Breast and ovarian cancer; Hereditary breast and ovarian cancer syndrome; Hereditary breast and ovarian cancer; BRCA1- and BRCA2-Associated Hereditary Breast and Ovarian Cancer; Hereditary breast and/or ovarian cancer syndrome. Identifiers: Orphanet 145, MedGen C0677776, MeSH D061325, MONDO:0003582. Disease mechanism: loss of function.
Breast-ovarian cancer, familial, susceptibility to, 1 (BROVCA1). Also called: BRCA1 Hereditary Breast and Ovarian Cancer; OVARIAN CANCER, SUSCEPTIBILITY TO. Identifiers: Orphanet 145, MedGen C2676676, MONDO:0011450, OMIM 604370. Disease mechanism: loss of function.

Submissions (3):

Evidence-based Network for the Interpretation of Germline Mutant Alleles (ENIGMA)
Classification: Pathogenic for Breast-ovarian cancer, familial, susceptibility to, 1. Last evaluated: 2016-10-18. Review status: reviewed by expert panel. Criteria: ENIGMA BRCA1/2 Classification Criteria (2015). Collection method: curation. Allele origin: germline.
Comment: Variant allele predicted to encode a truncated non-functional protein.

Labcorp Genetics (formerly Invitae), Labcorp
Classification: Pathogenic for Hereditary breast ovarian cancer syndrome. Last evaluated: 2022-07-03. Review status: criteria provided, single submitter. Criteria: Invitae Variant Classification Sherloc (09022015). Collection method: clinical testing. Allele origin: germline. Not counted in ClinVar's aggregate classification.
Comment: For these reasons, this variant has been classified as Pathogenic. ClinVar contains an entry for this variant (Variation ID: 266178). This premature translational stop signal has been observed in individual(s) with increasing risk of breast and ovarian cancers (PMID: 29446198). This variant is not present in population databases (gnomAD no frequency). This sequence change creates a premature translational stop signal (p.Ile548Tyrfs*2) in the BRCA1 gene. It is expected to result in an absent or disrupted protein product. Loss-of-function variants in BRCA1 are known to be pathogenic (PMID: 20104584).

Consortium of Investigators of Modifiers of BRCA1/2 (CIMBA), c/o University of Cambridge
Classification: Pathogenic for Breast-ovarian cancer, familial, susceptibility to, 1. Last evaluated: 2015-10-02. Review status: criteria provided, single submitter. Criteria: CIMBA Mutation Classification guidelines May 2016. Collection method: clinical testing. Allele origin: germline. Not counted in ClinVar's aggregate classification.

Literature cited by the submitters: PubMed 29446198 (cited by Labcorp Genetics (formerly Invitae), Labcorp); PubMed 20104584 (cited by Labcorp Genetics (formerly Invitae), Labcorp).